The following is an entry in ClinVar:

ClinVar aggregate classification (germline): Uncertain significance (1 of 4 stars; one submission).

Allele frequency attached by ClinVar (database versions not stated): gnomAD exomes below 0.00001 and 0.00001; ExAC 0.00001.
gnomAD v4.1: 5 of 1,614,024 alleles (0.00031%); highest among the groups gnomAD compares: Middle Eastern, 0.016%; no homozygotes.

Submission:

Labcorp Genetics (formerly Invitae), Labcorp
Classification: Uncertain significance. Last evaluated: 2021-07-05. Review status: criteria provided, single submitter. Criteria: Invitae Variant Classification Sherloc (09022015). Collection method: clinical testing. Allele origin: germline.
Comment: This sequence change replaces asparagine with aspartic acid at codon 206 of the SLC1A2 protein (p.Asn206Asp). The asparagine residue is moderately conserved and there is a small physicochemical difference between asparagine and aspartic acid. This variant is present in population databases (rs755542207, ExAC 0.001%). This variant has not been reported in the literature in individuals affected with SLC1A2-related conditions. Algorithms developed to predict the effect of missense changes on protein structure and function (SIFT, PolyPhen-2, Align-GVGD) all suggest that this variant is likely to be tolerated. In summary, the available evidence is currently insufficient to determine the role of this variant in disease. Therefore, it has been classified as a Variant of Uncertain Significance.

NM_004171.4(SLC1A2):c.616A>G (p.Asn206Asp)

Gene: SLC1A2 (solute carrier family 1 member 2; minus strand). Cytogenetic location: 11p13.
Variant type: single nucleotide variant.
Coding change: c.616A>G on transcript NM_004171.4 (MANE Select); coding-DNA position 616, A replaced by G.
Protein change: p.Asn206Asp; replaces asparagine 206 with aspartic acid.
Molecular consequence: missense variant.
Genome position (GRCh38, 1-based): chr11:35,306,188, T>C on the plus strand (A>G on the coding strand, the complement: SLC1A2 is on the minus strand). VCF-style: chr11-35306188-T-C. GRCh37 (hg19) VCF-style: chr11-35327735-T-C.
Other names: c.589A>G, p.Asn197Asp (NM_001195728.3, NM_001252652.2); short protein forms N197D, N206D.
Identifiers: ClinVar variation 1416686 (VCV001416686.8), dbSNP rs755542207, ClinGen allele CA5947268.